The following is an entry in ClinVar:

NM_014797.3(ZBTB24):c.750G>C (p.Gln250His)

Gene: ZBTB24 (zinc finger and BTB domain containing 24; minus strand). Cytogenetic location: 6q21.
Variant type: single nucleotide variant.
Coding change: c.750G>C on transcript NM_014797.3 (MANE Select); coding-DNA position 750, G replaced by C.
Protein change: p.Gln250His; replaces glutamine 250 with histidine.
Molecular consequence: missense variant.
Genome position (GRCh38, 1-based): chr6:109,481,277, C>G on the plus strand (G>C on the coding strand, the complement: ZBTB24 is on the minus strand). VCF-style: chr6-109481277-C-G. GRCh37 (hg19) VCF-style: chr6-109802480-C-G.
Other names: c.750G>C, p.Gln250His (NM_001164313.2); c.750G>C (NM_014797.2); short protein forms Q250H.
Identifiers: ClinVar variation 1435868 (VCV001435868.6), dbSNP rs1008747624, ClinGen allele CA365208346.

ClinVar aggregate classification (germline): Uncertain significance. Review status: criteria provided, multiple submitters, no conflicts (2 of 4 stars). 2 submissions from 2 submitters: Uncertain significance (2). Last evaluated 2022-11-09.

Conditions:
Immunodeficiency-centromeric instability-facial anomalies syndrome 2 (ICF2). Identifiers: Orphanet 2268, MedGen C3279748, MONDO:0013553, OMIM 614069.
Inborn genetic diseases. Identifiers: MedGen C0950123, MeSH D030342.

Allele frequency attached by ClinVar (database versions not stated): gnomAD exomes below 0.00001 and 0.00005; TOPMed 0.00002; gnomAD 0.00004.

Submissions (2):

Ambry Genetics
Classification: Uncertain significance for Inborn genetic diseases. Last evaluated: 2022-11-09. Review status: criteria provided, single submitter. Criteria: Ambry Variant Classification Scheme 2023. Collection method: clinical testing. Allele origin: germline.

Labcorp Genetics (formerly Invitae), Labcorp
Classification: Uncertain significance for Immunodeficiency-centromeric instability-facial anomalies syndrome 2. Last evaluated: 2022-05-21. Review status: criteria provided, single submitter. Criteria: Invitae Variant Classification Sherloc (09022015). Collection method: clinical testing. Allele origin: germline.
Comment: This sequence change replaces glutamine, which is neutral and polar, with histidine, which is basic and polar, at codon 250 of the ZBTB24 protein (p.Gln250His). This variant is not present in population databases (gnomAD no frequency). This variant has not been reported in the literature in individuals affected with ZBTB24-related conditions. Algorithms developed to predict the effect of missense changes on protein structure and function are either unavailable or do not agree on the potential impact of this missense change (SIFT: "Not Available"; PolyPhen-2: "Possibly Damaging"; Align-GVGD: "Not Available"). In summary, the available evidence is currently insufficient to determine the role of this variant in disease. Therefore, it has been classified as a Variant of Uncertain Significance.